The following is an entry in ClinVar:

NM_002890.3(RASA1):c.733del (p.Arg245fs)

Genes: CCNH (cyclin H; minus strand), RASA1 (RAS p21 protein activator 1; plus strand). Cytogenetic location: 5q14.3.
Variant type: Deletion.
Coding change: c.733del on transcript NM_002890.3 (MANE Select); coding-DNA position 733, one base deleted (C; older notation c.733delC).
Protein change: p.Arg245fs; shifts the reading frame from arginine 245.
Molecular consequence: frameshift variant. On other transcripts: intron variant (1).
Genome position (GRCh38, 1-based): chr5:87,332,547, C deleted. VCF-style (leftmost placement, unchanged base first): chr5-87332546-AC-A. GRCh37 (hg19) VCF-style: chr5-86628363-AC-A.
Other names: c.202del, p.Arg68fs (NM_022650.3); c.934-19752del (NM_001364075.2); short protein forms R68fs, R245fs.
Identifiers: ClinVar variation 3729643 (VCV003729643.2).

ClinVar aggregate classification (germline): Pathogenic (1 of 4 stars; one submission).

Conditions:
Capillary malformation-arteriovenous malformation syndrome. Also called: Capillary malformation-arteriovenous malformation. Identifiers: Orphanet 137667, MedGen C1842180, MONDO:0012016.

Submission:

Labcorp Genetics (formerly Invitae), Labcorp
Classification: Pathogenic for Capillary malformation-arteriovenous malformation syndrome. Last evaluated: 2025-01-27. Review status: criteria provided, single submitter. Criteria: Invitae Variant Classification Sherloc (09022015). Collection method: clinical testing. Allele origin: germline.
Comment: This sequence change creates a premature translational stop signal (p.Arg245Valfs*8) in the RASA1 gene. It is expected to result in an absent or disrupted protein product. Loss-of-function variants in RASA1 are known to be pathogenic (PMID: 24038909). This variant is not present in population databases (gnomAD no frequency). This variant has not been reported in the literature in individuals affected with RASA1-related conditions. For these reasons, this variant has been classified as Pathogenic.

Literature cited by the submitters: PubMed 24038909.